The following is an entry in ClinVar:

ClinVar aggregate classification (germline): Conflicting classifications of pathogenicity. Review status: criteria provided, conflicting classifications (1 of 4 stars). 9 submissions from 8 submitters: Uncertain significance (2); Likely benign (7). Last evaluated 2026-01-11.

Conditions:
SH3TC2-related disorder. Also called: SH3TC2-related disorders; SH3TC2-related condition. Identifiers: MedGen CN239303.
Inborn genetic diseases. Identifiers: MedGen C0950123, MeSH D030342.
Charcot-Marie-Tooth disease type 4. Also called: Charcot-Marie-Tooth disease, type IV; Charcot-Marie-Tooth, Type 4. Identifiers: Orphanet 64749, MedGen C4082197, MONDO:0018995.
Charcot-Marie-Tooth disease. Also called: Charcot-Marie-Tooth Hereditary Neuropathy; Charcot-Marie-Tooth Neuropathy. Identifiers: Orphanet 166, MedGen C0007959, MONDO:0015626.
Susceptibility to mononeuropathy of the median nerve, mild. Also called: CARPAL TUNNEL SYNDROME, SUSCEPTIBILITY TO. Identifiers: MedGen C3150596, MONDO:0013237, OMIM 613353.
Charcot-Marie-Tooth disease type 4C (CMT4C). Also called: CHARCOT-MARIE-TOOTH DISEASE, DEMYELINATING, TYPE 4C; Charcot-Marie-Tooth Neuropathy Type 4C (CMT4C); SH3TC2-Related Hereditary Motor and Sensory Neuropathy; CHARCOT-MARIE-TOOTH DISEASE, DEMYELINATING, AUTOSOMAL RECESSIVE, TYPE 4C; CMT 4C. Identifiers: Orphanet 99949, MedGen C1866636, MONDO:0011113, OMIM 601596.

Allele frequency attached by ClinVar (database versions not stated): gnomAD 0.00023; ESP Exome Variant Server 0.00054; 1000 Genomes Project 30x 0.00016; gnomAD exomes 0.00018 and 0.00022; 1000 Genomes Project 0.00020; ExAC 0.00021; TOPMed 0.00022.
gnomAD v4.1: 350 of 1,614,156 alleles (0.022%); highest among the groups gnomAD compares: Non-Finnish European, 0.027%; no homozygotes.

Submissions (9):

Labcorp Genetics (formerly Invitae), Labcorp
Classification: Likely benign for Charcot-Marie-Tooth disease type 4. Last evaluated: 2026-01-11. Review status: criteria provided, single submitter. Criteria: Invitae Variant Classification Sherloc (09022015). Collection method: clinical testing. Allele origin: germline.

PreventionGenetics, part of Exact Sciences
Classification: Likely benign for SH3TC2-related condition. Last evaluated: 2025-06-18. Review status: criteria provided, single submitter. Criteria: ACMG Guidelines, 2015. Collection method: clinical testing. Allele origin: germline.
Comment: This variant is classified as likely benign based on ACMG/AMP sequence variant interpretation guidelines (Richards et al. 2015 PMID: 25741868, with internal and published modifications).

Blueprint Genetics
Classification: Likely benign. Last evaluated: 2024-10-17. Review status: criteria provided, single submitter. Criteria: ACMG Guidelines, 2015. Collection method: clinical testing. Allele origin: germline.

Ambry Genetics
Classification: Likely benign for Inborn genetic diseases. Last evaluated: 2019-07-11. Review status: criteria provided, single submitter. Criteria: Ambry Variant Classification Scheme 2023. Collection method: clinical testing. Allele origin: germline.

CeGaT Center for Human Genetics Tuebingen
Classification: Likely benign. Last evaluated: 2019-02-01. Review status: criteria provided, single submitter. Criteria: CeGaT Center For Human Genetics Tuebingen Variant Classification Criteria Version 2. Collection method: clinical testing. Allele origin: germline. Affected: yes. Observed: 2 variant alleles.

GeneDx
Classification: Likely benign. Last evaluated: 2018-10-01. Review status: criteria provided, single submitter. Criteria: GeneDx Variant Classification Process June 2021. Collection method: clinical testing. Allele origin: germline. Affected: yes.

Illumina Laboratory Services, Illumina
Classification: Uncertain significance for Susceptibility to mononeuropathy of the median nerve, mild. Last evaluated: 2018-01-13. Review status: criteria provided, single submitter. Criteria: ICSL Variant Classification Criteria 13 December 2019. Collection method: clinical testing. Allele origin: germline.

Illumina Laboratory Services, Illumina
Classification: Uncertain significance for Charcot-Marie-Tooth disease type 4C. Last evaluated: 2018-01-13. Review status: criteria provided, single submitter. Criteria: ICSL Variant Classification Criteria 13 December 2019. Collection method: clinical testing. Allele origin: germline.

Molecular Genetics Laboratory, London Health Sciences Centre
Classification: Likely benign for Charcot-Marie-Tooth disease. Review status: criteria provided, single submitter. Criteria: ACMG Guidelines, 2015. Collection method: clinical testing. Allele origin: germline. Affected: yes.

NM_024577.4(SH3TC2):c.1767C>T (p.Ser589=)

Gene: SH3TC2 (SH3 domain and tetratricopeptide repeats 2; minus strand). Cytogenetic location: 5q32.
Variant type: single nucleotide variant.
Coding change: c.1767C>T on transcript NM_024577.4 (MANE Select); coding-DNA position 1767, C replaced by T.
Protein change: p.Ser589=; no amino-acid change (serine 589 retained).
Molecular consequence: synonymous variant.
Genome position (GRCh38, 1-based): chr5:149,027,965, G>A on the plus strand (C>T on the coding strand, the complement: SH3TC2 is on the minus strand). VCF-style: chr5-149027965-G-A. GRCh37 (hg19) VCF-style: chr5-148407528-G-A.
Identifiers: ClinVar variation 390930 (VCV000390930.62), dbSNP rs139898175, ClinGen allele CA3499130.